The following is an entry in ClinVar:

ClinVar aggregate classification (germline): Uncertain significance (1 of 4 stars; one submission).

Conditions:
Hereditary cancer-predisposing syndrome. Also called: Hereditary Cancer Syndrome; Hereditary neoplastic syndrome; Neoplastic Syndromes, Hereditary; Tumor predisposition. Identifiers: Orphanet 140162, MedGen C0027672, MeSH D009386, MONDO:0015356.

Submission:

Ambry Genetics
Classification: Uncertain significance for Hereditary cancer-predisposing syndrome. Last evaluated: 2020-07-23. Review status: criteria provided, single submitter. Criteria: Ambry Variant Classification Scheme 2023. Collection method: clinical testing. Allele origin: germline.
Comment: The c.1375A>C variant (also known as p.R459R), located in coding exon 7 of the DICER1 gene, results from an A to C substitution at nucleotide position 1375. This nucleotide substitution does not change the arginine at codon 459. This nucleotide position is well conserved in available vertebrate species. In silico splice site analysis predicts that this alteration may weaken the native splice donor site and may result in the creation or strengthening of a novel splice donor site. Since supporting evidence is limited at this time, the clinical significance of this alteration remains unclear.

NM_177438.3(DICER1):c.1375A>C (p.Arg459=)

Gene: DICER1 (dicer 1, ribonuclease III; minus strand). Cytogenetic location: 14q32.13.
Variant type: single nucleotide variant.
Coding change: c.1375A>C on transcript NM_177438.3 (MANE Select); coding-DNA position 1375, A replaced by C.
Protein change: p.Arg459=; no amino-acid change (arginine 459 retained).
Molecular consequence: synonymous variant. On other transcripts: 5 prime UTR variant (1), missense variant (1), non-coding transcript variant (6).
Genome position (GRCh38, 1-based): chr14:95,124,197, T>G on the plus strand (A>C on the coding strand, the complement: DICER1 is on the minus strand). VCF-style: chr14-95124197-T-G. GRCh37 (hg19) VCF-style: chr14-95590534-T-G.
Other names: c.1375A>C, p.Arg459= (NM_001195573.1, NM_001271282.3, NM_001291628.2 and 14 more transcripts); c.1093A>C, p.Arg365= (NM_001395686.1); c.970A>C, p.Arg324= (NM_001395687.1, NM_001395688.1, NM_001395689.1 and 3 more transcripts); c.808A>C, p.Arg270= (NM_001395691.1); c.-194A>C (NM_001395697.1); c.1375A>C, p.Ser459Arg (NM_001395699.1); short protein forms S459R.
Identifiers: ClinVar variation 1771128 (VCV001771128.2), dbSNP rs1566801690, ClinGen allele CA487845053.